The following is an entry in ClinVar:

ClinVar aggregate classification (germline): Uncertain significance. Review status: criteria provided, multiple submitters, no conflicts (2 of 4 stars). 3 submissions from 3 submitters: Uncertain significance (3). Last evaluated 2025-03-31.

Conditions:
Catecholaminergic polymorphic ventricular tachycardia 1. Also called: VENTRICULAR TACHYCARDIA, CATECHOLAMINERGIC POLYMORPHIC, 1, WITH OR WITHOUT ATRIAL DYSFUNCTION AND/OR DILATED CARDIOMYOPATHY; VENTRICULAR TACHYCARDIA, STRESS-INDUCED POLYMORPHIC 1; RYR2-Related Catecholaminergic Polymorphic Ventricular Tachycardia. Identifiers: Orphanet 3286, MedGen C1631597, MONDO:0011484, OMIM 604772.
Cardiovascular phenotype. Identifiers: MedGen CN230736.
Catecholaminergic polymorphic ventricular tachycardia 5 (CARDAR). Also called: Ventricular tachycardia, catecholaminergic polymorphic, 5, with or without muscle weakness; CARDIAC ARRHYTHMIA SYNDROME, WITH OR WITHOUT SKELETAL MUSCLE WEAKNESS. Identifiers: Orphanet 3286, MedGen C3809536, MONDO:0014191, OMIM 615441.

Allele frequency attached by ClinVar (database versions not stated): ExAC below 0.00001; gnomAD exomes below 0.00001; TOPMed below 0.00001; gnomAD 0.00001; ESP Exome Variant Server 0.00009.
gnomAD v4.1: 6 of 1,580,606 alleles (0.00038%); highest among the groups gnomAD compares: South Asian, 0.0012%; no homozygotes.

Submissions (3):

Ambry Genetics
Classification: Uncertain significance for Cardiovascular phenotype. Last evaluated: 2025-03-31. Review status: criteria provided, single submitter. Criteria: Ambry Variant Classification Scheme 2023. Collection method: clinical testing. Allele origin: germline.
Comment: The p.P589H variant (also known as c.1766C>A), located in coding exon 32 of the TRDN gene, results from a C to A substitution at nucleotide position 1766. The proline at codon 589 is replaced by histidine, an amino acid with similar properties. This amino acid position is conserved. In addition, this alteration is predicted to be tolerated by in silico analysis. Based on the available evidence, the clinical significance of this variant remains unclear.

Fulgent Genetics
Classification: Uncertain significance for Catecholaminergic polymorphic ventricular tachycardia 1; Catecholaminergic polymorphic ventricular tachycardia 5. Last evaluated: 2021-09-06. Review status: criteria provided, single submitter. Criteria: ACMG Guidelines, 2015. Collection method: clinical testing. Allele origin: unknown.

Labcorp Genetics (formerly Invitae), Labcorp
Classification: Uncertain significance for Catecholaminergic polymorphic ventricular tachycardia 1. Last evaluated: 2020-09-05. Review status: criteria provided, single submitter. Criteria: Invitae Variant Classification Sherloc (09022015). Collection method: clinical testing. Allele origin: germline.
Comment: In summary, the available evidence is currently insufficient to determine the role of this variant in disease. Therefore, it has been classified as a Variant of Uncertain Significance. Algorithms developed to predict the effect of missense changes on protein structure and function output the following: SIFT: "Deleterious"; PolyPhen-2: "Benign"; Align-GVGD: "Class C0". The histidine amino acid residue is found in multiple mammalian species, suggesting that this missense change does not adversely affect protein function. These predictions have not been confirmed by published functional studies and their clinical significance is uncertain. This variant has not been reported in the literature in individuals with TRDN-related conditions. The frequency data for this variant in the population databases is considered unreliable, as metrics indicate poor data quality at this position in the ExAC database. This sequence change replaces proline with histidine at codon 589 of the TRDN protein (p.Pro589His). The proline residue is weakly conserved and there is a moderate physicochemical difference between proline and histidine.

NM_006073.4(TRDN):c.1766C>A (p.Pro589His)

Gene: TRDN (triadin; minus strand). Cytogenetic location: 6q22.31.
Variant type: single nucleotide variant.
Coding change: c.1766C>A on transcript NM_006073.4 (MANE Select); coding-DNA position 1766, C replaced by A.
Protein change: p.Pro589His; replaces proline 589 with histidine.
Molecular consequence: missense variant.
Genome position (GRCh38, 1-based): chr6:123,267,724, G>T on the plus strand (C>A on the coding strand, the complement: TRDN is on the minus strand). VCF-style: chr6-123267724-G-T. GRCh37 (hg19) VCF-style: chr6-123588869-G-T.
Other names: c.1766C>A (NM_006073.2); short protein forms P589H.
Identifiers: ClinVar variation 1042216 (VCV001042216.11), dbSNP rs371717903, ClinGen allele CA3983766.